The following is an entry in ClinVar:

ClinVar aggregate classification (germline): Conflicting classifications of pathogenicity. Review status: criteria provided, conflicting classifications (1 of 4 stars). 2 submissions from 2 submitters: Likely pathogenic (1); Uncertain significance (1). Last evaluated 2016-12-28.

Conditions:
Inborn genetic diseases. Identifiers: MedGen C0950123, MeSH D030342.
Intellectual developmental disorder, X-linked 106. Also called: Mental retardation, X-linked 106; Intellectual disability, X-linked 106. Identifiers: MedGen C4478379, MONDO:0030907, OMIM 300997.

Submissions (2):

Ambry Genetics
Classification: Uncertain significance for Inborn genetic diseases. Last evaluated: 2016-12-28. Review status: criteria provided, single submitter. Criteria: Ambry exome assertion method (8-5-2015). Collection method: clinical testing. Allele origin: germline. Affected: yes. Observed: 1 variant allele.

Randwick Genomics Laboratory, Prince of Wales Hospital Sydney, Australia, New South Wales Health Pathology
Classification: Likely pathogenic for Intellectual developmental disorder, X-linked 106. Review status: criteria provided, single submitter. Criteria: ACMG Guidelines, 2015. Collection method: clinical testing. Allele origin: germline. Affected: yes.
Comment: PM1, PM2, PP2, PP3, PS4_supporting (RCV000624465.1)

Trio, XLR

Literature cited by the submitters: PubMed 12724313 (cited by Ambry Genetics).

NM_181672.3(OGT):c.307G>A (p.Gly103Arg)

Gene: OGT (O-linked N-acetylglucosamine (GlcNAc) transferase; plus strand). Cytogenetic location: Xq13.1.
Variant type: single nucleotide variant.
Coding change: c.307G>A on transcript NM_181672.3 (MANE Select); coding-DNA position 307, G replaced by A.
Protein change: p.Gly103Arg; replaces glycine 103 with arginine.
Molecular consequence: missense variant.
Genome position (GRCh38, 1-based): chrX:71,537,917, G>A. VCF-style: chrX-71537917-G-A. GRCh37 (hg19) VCF-style: chrX-70757767-G-A.
Other names: c.277G>A, p.Gly93Arg (NM_181673.3); short protein forms G103R, G93R.
Identifiers: ClinVar variation 521426 (VCV000521426.6), dbSNP rs1556046834, ClinGen allele CA413536303.